The following is an entry in ClinVar:

NM_000231.3(SGCG):c.407A>G (p.Gln136Arg)

Gene: SGCG (sarcoglycan gamma; plus strand). Cytogenetic location: 13q12.12.
Variant type: single nucleotide variant.
Coding change: c.407A>G on transcript NM_000231.3 (MANE Select); coding-DNA position 407, A replaced by G.
Protein change: p.Gln136Arg; replaces glutamine 136 with arginine.
Molecular consequence: missense variant.
Genome position (GRCh38, 1-based): chr13:23,279,380, A>G. VCF-style: chr13-23279380-A-G. GRCh37 (hg19) VCF-style: chr13-23853519-A-G.
Other names: c.461A>G, p.Gln154Arg (NM_001378244.1); c.407A>G, p.Gln136Arg (NM_001378245.1, NM_001378246.1); short protein forms Q136R, Q154R.
Identifiers: ClinVar variation 197646 (VCV000197646.14), dbSNP rs569816696, ClinGen allele CA245899.

ClinVar aggregate classification (germline): Uncertain significance. Review status: criteria provided, multiple submitters, no conflicts (2 of 4 stars). 4 submissions from 4 submitters: Uncertain significance (3). 1 of the submissions does not count toward it. Last evaluated 2022-06-13.

Conditions:
Autosomal recessive limb-girdle muscular dystrophy type 2C (LGMDR5). Also called: MUSCULAR DYSTROPHY, LIMB-GIRDLE, AUTOSOMAL RECESSIVE 5; MUSCULAR DYSTROPHY, DUCHENNE-LIKE. Identifiers: Orphanet 353, MedGen C0410173, MONDO:0009677, OMIM 253700. Disease mechanism: Affects gamma-sarcoglycan and also disrupts the integrity of the entire sarcoglycan complex..

Allele frequency attached by ClinVar (database versions not stated): gnomAD 0.00001 and 0.00002; ExAC 0.00002; TOPMed 0.00002; gnomAD exomes 0.00003.
gnomAD v4.1: 40 of 1,613,158 alleles (0.0025%); highest among the groups gnomAD compares: Non-Finnish European, 0.0031%; no homozygotes.

Submissions (4):

Labcorp Genetics (formerly Invitae), Labcorp
Classification: Uncertain significance for Autosomal recessive limb-girdle muscular dystrophy type 2C. Last evaluated: 2022-06-13. Review status: criteria provided, single submitter. Criteria: Invitae Variant Classification Sherloc (09022015). Collection method: clinical testing. Allele origin: germline.
Comment: This sequence change replaces glutamine, which is neutral and polar, with arginine, which is basic and polar, at codon 136 of the SGCG protein (p.Gln136Arg). This variant is present in population databases (rs569816696, gnomAD 0.007%). This variant has not been reported in the literature in individuals affected with SGCG-related conditions. ClinVar contains an entry for this variant (Variation ID: 197646). Algorithms developed to predict the effect of missense changes on protein structure and function (SIFT, PolyPhen-2, Align-GVGD) all suggest that this variant is likely to be tolerated. In summary, the available evidence is currently insufficient to determine the role of this variant in disease. Therefore, it has been classified as a Variant of Uncertain Significance.

Revvity Omics, Revvity
Classification: Uncertain significance for Autosomal recessive limb-girdle muscular dystrophy type 2C. Last evaluated: 2020-03-23. Review status: criteria provided, single submitter. Criteria: ACMG Guidelines, 2015. Collection method: clinical testing. Allele origin: germline.

Eurofins Ntd Llc (ga)
Classification: Uncertain significance. Last evaluated: 2015-01-20. Review status: criteria provided, single submitter. Criteria: EGL Classification Definitions 2015. Collection method: clinical testing. Allele origin: germline. Observed: 1 variant allele, 1 heterozygote.

Natera, Inc.
Classification: Uncertain significance for Limb-girdle muscular dystrophy type 2C. Last evaluated: 2019-11-11. Review status: no assertion criteria provided. Collection method: clinical testing. Allele origin: germline. Not counted in ClinVar's aggregate classification.